The following is an entry in ClinVar:

ClinVar aggregate classification (germline): Uncertain significance (1 of 4 stars; one submission).

Conditions:
Cystic fibrosis (CF). Also called: MUCOVISCIDOSIS. Identifiers: Orphanet 586, MedGen C0010674, MONDO:0009061, OMIM 219700. Disease mechanism: loss of function.

Submission:

Labcorp Genetics (formerly Invitae), Labcorp
Classification: Uncertain significance for Cystic fibrosis. Last evaluated: 2024-04-08. Review status: criteria provided, single submitter. Criteria: Invitae Variant Classification Sherloc (09022015). Collection method: clinical testing. Allele origin: germline.
Comment: This sequence change replaces isoleucine, which is neutral and non-polar, with methionine, which is neutral and non-polar, at codon 616 of the CFTR protein (p.Ile616Met). This variant is not present in population databases (gnomAD no frequency). This variant has not been reported in the literature in individuals affected with CFTR-related conditions. Advanced modeling of protein sequence and biophysical properties (such as structural, functional, and spatial information, amino acid conservation, physicochemical variation, residue mobility, and thermodynamic stability) performed at Invitae indicates that this missense variant is expected to disrupt CFTR protein function with a positive predictive value of 80%. In summary, the available evidence is currently insufficient to determine the role of this variant in disease. Therefore, it has been classified as a Variant of Uncertain Significance.

NM_000492.4(CFTR):c.1848A>G (p.Ile616Met)

Gene: CFTR (CF transmembrane conductance regulator; plus strand). Cytogenetic location: 7q31.2.
Variant type: single nucleotide variant.
Coding change: c.1848A>G on transcript NM_000492.4 (MANE Select); coding-DNA position 1848, A replaced by G.
Protein change: p.Ile616Met; replaces isoleucine 616 with methionine.
Molecular consequence: missense variant.
Genome position (GRCh38, 1-based): chr7:117,592,015, A>G. VCF-style: chr7-117592015-A-G. GRCh37 (hg19) VCF-style: chr7-117232069-A-G.
Other names: short protein forms I616M.
Identifiers: ClinVar variation 2754841 (VCV002754841.3), dbSNP rs2485109188, ClinGen allele CA368978394.